The following is an entry in ClinVar:

ClinVar aggregate classification (germline): Uncertain significance (1 of 4 stars; one submission).

Conditions:
Baller-Gerold syndrome (BGS). Also called: CRANIOSYNOSTOSIS WITH RADIAL DEFECTS. Identifiers: Orphanet 1225, MedGen C0265308, MONDO:0009039, OMIM 218600.

Submission:

Labcorp Genetics (formerly Invitae), Labcorp
Classification: Uncertain significance for Baller-Gerold syndrome. Last evaluated: 2023-02-04. Review status: criteria provided, single submitter. Criteria: Invitae Variant Classification Sherloc (09022015). Collection method: clinical testing. Allele origin: germline.
Comment: Algorithms developed to predict the effect of missense changes on protein structure and function output the following: SIFT: "Not Available"; PolyPhen-2: "Not Available"; Align-GVGD: "Not Available". The valine amino acid residue is found in multiple mammalian species, which suggests that this missense change does not adversely affect protein function. This variant has not been reported in the literature in individuals affected with RECQL4-related conditions. This variant is not present in population databases (gnomAD no frequency). This sequence change replaces alanine, which is neutral and non-polar, with valine, which is neutral and non-polar, at codon 119 of the RECQL4 protein (p.Ala119Val). Algorithms developed to predict the effect of sequence changes on RNA splicing suggest that this variant may disrupt the consensus splice site. In summary, the available evidence is currently insufficient to determine the role of this variant in disease. Therefore, it has been classified as a Variant of Uncertain Significance.

NM_004260.4(RECQL4):c.356C>T (p.Ala119Val)

Gene: RECQL4 (RecQ like helicase 4; minus strand). Cytogenetic location: 8q24.3.
Variant type: single nucleotide variant.
Coding change: c.356C>T on transcript NM_004260.4 (MANE Select); coding-DNA position 356, C replaced by T.
Protein change: p.Ala119Val; replaces alanine 119 with valine.
Molecular consequence: missense variant. On other transcripts: 5 prime UTR variant (13), non-coding transcript variant (3), intron variant (5).
Genome position (GRCh38, 1-based): chr8:144,516,763, G>A on the plus strand (C>T on the coding strand, the complement: RECQL4 is on the minus strand). VCF-style: chr8-144516763-G-A. GRCh37 (hg19) VCF-style: chr8-145742147-G-A.
Other names: c.356C>T, p.Ala119Val (NM_001413017.1, NM_001413018.1, NM_001413019.1 and 4 more transcripts); c.-716C>T (NM_001413022.1, NM_001413023.1, NM_001413037.1 and 3 more transcripts); c.227C>T, p.Ala76Val (NM_001413025.1); c.-778C>T (NM_001413027.1, NM_001413030.1, NM_001413031.1 and 1 more transcripts); c.-441C>T (NM_001413028.1); c.-620C>T (NM_001413034.1); c.-985C>T (NM_001413043.1); c.354+287C>T (NM_001413029.1); and 3 more; short protein forms A119V, A76V.
Identifiers: ClinVar variation 2867739 (VCV002867739.3), dbSNP rs997621519, ClinGen allele CA187690014.